The following is an entry in ClinVar:

NM_024741.3(ZNF408):c.1567_1573del (p.Pro523fs)

Gene: ZNF408 (zinc finger protein 408; plus strand). Cytogenetic location: 11p11.2.
Variant type: Deletion.
Coding change: c.1567_1573del on transcript NM_024741.3 (MANE Select); coding-DNA positions 1567 to 1573, 7 bases deleted (CCTTACC; older notation c.1567_1573delCCTTACC).
Protein change: p.Pro523fs; shifts the reading frame from proline 523.
Molecular consequence: frameshift variant.
Genome position (GRCh38, 1-based): chr11:46,705,267-46,705,273, CCTTACC deleted. VCF-style (leftmost placement, unchanged base first): chr11-46705266-TCCTTACC-T. GRCh37 (hg19) VCF-style: chr11-46726816-TCCTTACC-T.
Other names: c.1543_1549del, p.Pro515fs (NM_001184751.2); short protein forms P515fs, P523fs.
Identifiers: ClinVar variation 2059070 (VCV002059070.4), dbSNP rs2502795977, ClinGen allele CA2580084146.

ClinVar aggregate classification (germline): Uncertain significance (1 of 4 stars; one submission).

Submission:

Labcorp Genetics (formerly Invitae), Labcorp
Classification: Uncertain significance. Last evaluated: 2022-07-18. Review status: criteria provided, single submitter. Criteria: Invitae Variant Classification Sherloc (09022015). Collection method: clinical testing. Allele origin: germline.
Comment: This variant has not been reported in the literature in individuals affected with ZNF408-related conditions. In summary, the available evidence is currently insufficient to determine the role of this variant in disease. Therefore, it has been classified as a Variant of Uncertain Significance. Experimental studies and prediction algorithms are not available or were not evaluated, and the functional significance of this variant is currently unknown. This variant is not present in population databases (gnomAD no frequency). This sequence change creates a premature translational stop signal (p.Pro523Alafs*176) in the ZNF408 gene. While this is not anticipated to result in nonsense mediated decay, it is expected to disrupt the last 198 amino acid(s) of the ZNF408 protein.